The following is an entry in ClinVar:

ClinVar aggregate classification (germline): Pathogenic/Likely pathogenic. Review status: criteria provided, multiple submitters, no conflicts (2 of 4 stars). 2 submissions from 2 submitters: Pathogenic (1); Likely pathogenic (1). Last evaluated 2025-03-19.

Conditions:
SCN1A-related disorder. Also called: SCN1A-related disorders; SCN1A-related conditions; SCN1A-related condition.

Submissions (2):

3billion
Classification: Likely pathogenic for SCN1A-related disorder. Last evaluated: 2025-03-19. Review status: criteria provided, single submitter. Criteria: ACMG Guidelines, 2015. Collection method: clinical testing. Allele origin: germline. Affected: yes.

GeneDx
Classification: Pathogenic. Last evaluated: 2023-11-10. Review status: criteria provided, single submitter. Criteria: GeneDx Variant Classification Process June 2021. Collection method: clinical testing. Allele origin: germline. Affected: yes.
Comment: Not observed at significant frequency in large population cohorts (gnomAD); Missense variants in this gene are a common cause of disease and they are underrepresented in the general population; In silico analysis supports that this missense variant has a deleterious effect on protein structure/function; This variant is associated with the following publications: (PMID: 32090326, 35074891, 21248271)

Literature cited by the submitters: PubMed 31440721 (cited by 3billion).

NM_001165963.4(SCN1A):c.4267C>T (p.Leu1423Phe)

Genes: SCN1A (sodium voltage-gated channel alpha subunit 1; minus strand), LOC102724058 (uncharacterized LOC102724058; plus strand). Cytogenetic location: 2q24.3.
Variant type: single nucleotide variant.
Coding change: c.4267C>T on transcript NM_001165963.4 (MANE Select); coding-DNA position 4267, C replaced by T.
Protein change: p.Leu1423Phe; replaces leucine 1423 with phenylalanine.
Molecular consequence: missense variant. On other transcripts: non-coding transcript variant (1).
Genome position (GRCh38, 1-based): chr2:166,002,489, G>A on the plus strand (C>T on the coding strand, the complement: SCN1A is on the minus strand). VCF-style: chr2-166002489-G-A. GRCh37 (hg19) VCF-style: chr2-166858999-G-A.
Other names: c.4183C>T, p.Leu1395Phe (NM_001165964.3, NM_001353957.2, NM_001353958.2); c.4267C>T, p.Leu1423Phe (NM_001202435.3, NM_001353948.2); c.4234C>T, p.Leu1412Phe (NM_001353949.2, NM_001353950.2, NM_001353951.2 and 2 more transcripts); c.4231C>T, p.Leu1411Phe (NM_001353954.2, NM_001353955.2); c.4180C>T, p.Leu1394Phe (NM_001353960.2); c.1825C>T, p.Leu609Phe (NM_001353961.2); short protein forms L1394F, L1395F, L1411F, L1412F, L1423F, L609F.
Identifiers: ClinVar variation 3338839 (VCV003338839.2).
Genomic context (GRCh38, chr2:166,002,489, plus strand): 5'-TTCCAAACAATAAAAATATTCAGAGAAAATAGTGTTCACTTACAACTTGAAGCAAAGAGA[G>A]ATACCCAAATCCTACATTATCAAAGTTTACTTTCACATTTTTCCATCGAGCAGTCTCATT-3'
Protein context (NP_001159435.1, residues 1413-1433): VNFDNVGFGY[Leu1423Phe]SLLQVATFKG